The following is an entry in ClinVar:

ClinVar aggregate classification (germline): Benign/Likely benign. Review status: criteria provided, multiple submitters, no conflicts (2 of 4 stars). 12 submissions from 12 submitters: Benign (6); Likely benign (4). 2 of the submissions do not count toward it. Last evaluated 2026-09-01.

Conditions:
Autoinflammatory syndrome. Identifiers: Orphanet 93665, MedGen C3890737, MONDO:0019751.
Familial hemophagocytic lymphohistiocytosis 5. Also called: STXBP2-Related Familial Hemophagocytic Lymphohistiocytosis (STXBP2-fHLH). Identifiers: Orphanet 540, MedGen C2751293, MONDO:0013135, OMIM 613101.

Allele frequency attached by ClinVar (database versions not stated): 1000 Genomes Project 0.00459; 1000 Genomes Project 30x 0.00468; gnomAD 0.01011 and 0.01028; TOPMed 0.01034; gnomAD exomes 0.01078 and 0.01431; ExAC 0.01088; ESP Exome Variant Server 0.01184.
gnomAD v4.1: 22,434 of 1,614,038 alleles (1.4%); highest among the groups gnomAD compares: Middle Eastern, 3.2%; 209 homozygotes.

Submissions (12):

CeGaT Center for Human Genetics Tuebingen
Classification: Benign. Last evaluated: 2026-09-01. Review status: criteria provided, single submitter. Criteria: CeGaT Center For Human Genetics Tuebingen Variant Classification Criteria Version 2. Collection method: clinical testing. Allele origin: germline. Affected: yes. Observed: 20 variant alleles.
Comment: STXBP2: BS1, BS2

Labcorp Genetics (formerly Invitae), Labcorp
Classification: Benign for Familial hemophagocytic lymphohistiocytosis 5. Last evaluated: 2026-02-04. Review status: criteria provided, single submitter. Criteria: Invitae Variant Classification Sherloc (09022015). Collection method: clinical testing. Allele origin: germline.

Mayo Clinic Laboratories, Mayo Clinic
Classification: Benign. Last evaluated: 2024-12-10. Review status: criteria provided, single submitter. Criteria: ACMG Guidelines, 2015. Collection method: clinical testing. Allele origin: germline. Observed: 59 variant alleles.
Comment: BS1, BS2

Blueprint Genetics
Classification: Likely benign. Last evaluated: 2024-11-27. Review status: criteria provided, single submitter. Criteria: ACMG Guidelines, 2015. Collection method: clinical testing. Allele origin: germline.

Genome Diagnostics Laboratory, The Hospital for Sick Children
Classification: Benign for Autoinflammatory syndrome. Last evaluated: 2022-04-14. Review status: criteria provided, single submitter. Criteria: ACMG Guidelines, 2015. Collection method: clinical testing. Allele origin: germline. Affected: yes.

Women's Health and Genetics/Laboratory Corporation of America, LabCorp
Classification: Likely benign. Last evaluated: 2021-12-10. Review status: criteria provided, single submitter. Criteria: LabCorp Variant Classification Summary - May 2015. Collection method: clinical testing. Allele origin: germline.

Laboratory for Molecular Medicine, Mass General Brigham Personalized Medicine
Classification: Likely benign. Last evaluated: 2016-03-29. Review status: criteria provided, single submitter. Criteria: LMM Criteria. Collection method: clinical testing. Allele origin: germline.
Comment: Variant identified in a genome or exome case(s) and assessed due to predicted null impact of the variant or pathogenic assertions in the literature or databases. Disclaimer: This variant has not undergone full assessment.

Eurofins Ntd Llc (ga)
Classification: Benign. Last evaluated: 2015-04-20. Review status: criteria provided, single submitter. Criteria: EGL Classification Definitions 2015. Collection method: clinical testing. Allele origin: germline. Observed: 1 variant allele, 1 heterozygote.

Breakthrough Genomics
Classification: Likely benign. Review status: criteria provided, single submitter. Criteria: ACMG Guidelines, 2015. Collection method: not provided. Allele origin: germline. Inheritance: Autosomal recessive inheritance. Affected: yes.

PreventionGenetics, part of Exact Sciences
Classification: Benign. Review status: criteria provided, single submitter. Criteria: ACMG Guidelines, 2015. Collection method: clinical testing. Allele origin: germline.

Diagnostic Laboratory, Department of Genetics, University Medical Center Groningen
Classification: Likely benign. Review status: no assertion criteria provided. Collection method: clinical testing. Allele origin: germline. Affected: yes. Study: VKGL Data-share Consensus. Not counted in ClinVar's aggregate classification.

Genome Diagnostics Laboratory, University Medical Center Utrecht
Classification: Likely benign. Review status: no assertion criteria provided. Collection method: clinical testing. Allele origin: germline. Affected: yes. Study: VKGL Data-share Consensus. Not counted in ClinVar's aggregate classification.

NM_006949.4(STXBP2):c.1034C>T (p.Thr345Met)

Gene: STXBP2 (syntaxin binding protein 2; plus strand). Cytogenetic location: 19p13.2.
Variant type: single nucleotide variant.
Coding change: c.1034C>T on transcript NM_006949.4 (MANE Select); coding-DNA position 1034, C replaced by T.
Protein change: p.Thr345Met; replaces threonine 345 with methionine.
Molecular consequence: missense variant.
Genome position (GRCh38, 1-based): chr19:7,643,172, C>T. VCF-style: chr19-7643172-C-T. GRCh37 (hg19) VCF-style: chr19-7708058-C-T.
Other names: c.1025C>T, p.Thr342Met (NM_001127396.3); c.1067C>T, p.Thr356Met (NM_001272034.2); short protein forms T345M, T356M, T342M.
Identifiers: ClinVar variation 194241 (VCV000194241.58), dbSNP rs117761837, ClinGen allele CA201060.